The following is an entry in ClinVar:

ClinVar aggregate classification (germline): Likely benign. Review status: criteria provided, single submitter (1 of 4 stars). 2 submissions from 2 submitters: Likely benign (1). 1 of the submissions does not count toward it. Last evaluated 2025-09-24.

Conditions:
SCP2-related disorder. Also called: SCP2-related condition.

Allele frequency attached by ClinVar (database versions not stated): TOPMed 0.00001; gnomAD 0.00002 and 0.00003; gnomAD exomes 0.00002; ExAC 0.00004.
gnomAD v4.1: 55 of 1,613,540 alleles (0.0034%); highest among the groups gnomAD compares: Non-Finnish European, 0.0042%; no homozygotes.

Submissions (2):

Labcorp Genetics (formerly Invitae), Labcorp
Classification: Likely benign. Last evaluated: 2025-09-24. Review status: criteria provided, single submitter. Criteria: Invitae Variant Classification Sherloc (09022015). Collection method: clinical testing. Allele origin: germline.

PreventionGenetics, part of Exact Sciences
Classification: Likely benign for SCP2-related condition. Last evaluated: 2024-04-10. Review status: no assertion criteria provided. Collection method: clinical testing. Allele origin: germline. Not counted in ClinVar's aggregate classification.
Comment: This variant is classified as likely benign based on ACMG/AMP sequence variant interpretation guidelines (Richards et al. 2015 PMID: 25741868, with internal and published modifications).

NM_002979.5(SCP2):c.1593C>T (p.Leu531=)

Gene: SCP2 (sterol carrier protein 2; plus strand). Cytogenetic location: 1p32.3.
Variant type: single nucleotide variant.
Coding change: c.1593C>T on transcript NM_002979.5 (MANE Select); coding-DNA position 1593, C replaced by T.
Protein change: p.Leu531=; no amino-acid change (leucine 531 retained).
Molecular consequence: synonymous variant. On other transcripts: 3 prime UTR variant (1).
Genome position (GRCh38, 1-based): chr1:53,050,653, C>T. VCF-style: chr1-53050653-C-T. GRCh37 (hg19) VCF-style: chr1-53516325-C-T.
Other names: c.381C>T, p.Leu127= (NM_001007099.3); c.372C>T, p.Leu124= (NM_001007100.3); c.*71C>T (NM_001007250.3); c.1521C>T, p.Leu507= (NM_001193599.2); c.1461C>T, p.Leu487= (NM_001193600.2); c.1350C>T, p.Leu450= (NM_001193617.2); c.1593C>T (NM_002979.4).
Identifiers: ClinVar variation 1664845 (VCV001664845.9), dbSNP rs777240423, ClinGen allele CA857469.